The following is an entry in ClinVar:

NM_001353694.2(TIAM1):c.2644G>T (p.Gly882Cys)

Gene: TIAM1 (TIAM Rac1 associated GEF 1; minus strand). Cytogenetic location: 21q22.11.
Variant type: single nucleotide variant.
Coding change: c.2644G>T on transcript NM_001353694.2 (MANE Select); coding-DNA position 2644, G replaced by T.
Protein change: p.Gly882Cys; replaces glycine 882 with cysteine.
Molecular consequence: missense variant.
Genome position (GRCh38, 1-based): chr21:31,187,019, C>A on the plus strand (G>T on the coding strand, the complement: TIAM1 is on the minus strand). VCF-style: chr21-31187019-C-A. GRCh37 (hg19) VCF-style: chr21-32559335-C-A.
Other names: c.2644G>T, p.Gly882Cys (NM_001353686.2, NM_001353688.1, NM_001353689.1 and 5 more transcripts); c.2569G>T, p.Gly857Cys (NM_001353687.2); short protein forms G882C, G857C.
Identifiers: ClinVar variation 5008325 (VCV005008325.1).

ClinVar aggregate classification (germline): Uncertain significance (1 of 4 stars; one submission).

Submission:

GeneDx
Classification: Uncertain significance. Last evaluated: 2026-03-03. Review status: criteria provided, single submitter. Criteria: GeneDx Variant Classification Process June 2021. Collection method: clinical testing. Allele origin: germline.
Comment: Not observed at significant frequency in large population cohorts (gnomAD); In silico analysis supports that this missense variant has a deleterious effect on protein structure/function; Has not been previously published as pathogenic or benign to our knowledge